The following is an entry in ClinVar:

ClinVar aggregate classification (germline): Uncertain significance. Review status: criteria provided, multiple submitters, no conflicts (2 of 4 stars). 2 submissions from 2 submitters: Uncertain significance (2). Last evaluated 2025-11-24.

Allele frequency attached by ClinVar (database versions not stated): gnomAD exomes below 0.00001; ExAC 0.00001; gnomAD 0.00003 and 0.00004; TOPMed 0.00003; ESP Exome Variant Server 0.00008.
gnomAD v4.1: 6 of 1,496,314 alleles (0.0004%); highest among the groups gnomAD compares: African/African-American, 0.0084%; no homozygotes.

Submissions (2):

Ambry Genetics
Classification: Uncertain significance. Last evaluated: 2025-11-24. Review status: criteria provided, single submitter. Criteria: Ambry Variant Classification Scheme 2023. Collection method: clinical testing. Allele origin: germline.

Labcorp Genetics (formerly Invitae), Labcorp
Classification: Uncertain significance. Last evaluated: 2025-09-13. Review status: criteria provided, single submitter. Criteria: Invitae Variant Classification Sherloc (09022015). Collection method: clinical testing. Allele origin: germline.
Comment: This sequence change replaces alanine, which is neutral and non-polar, with threonine, which is neutral and polar, at codon 489 of the RASA2 protein (p.Ala489Thr). The frequency data for this variant in the population databases is considered unreliable, as metrics indicate poor data quality at this position in the gnomAD database. This variant has not been reported in the literature in individuals affected with RASA2-related conditions. ClinVar contains an entry for this variant (Variation ID: 1442012). Invitae Evidence Modeling of protein sequence and biophysical properties (such as structural, functional, and spatial information, amino acid conservation, physicochemical variation, residue mobility, and thermodynamic stability) indicates that this missense variant is expected to disrupt RASA2 protein function with a positive predictive value of 80%. In summary, the available evidence is currently insufficient to determine the role of this variant in disease. Therefore, it has been classified as a Variant of Uncertain Significance.

NM_006506.5(RASA2):c.1465G>A (p.Ala489Thr)

Gene: RASA2 (RAS p21 protein activator 2; plus strand). Cytogenetic location: 3q23.
Variant type: single nucleotide variant.
Coding change: c.1465G>A on transcript NM_006506.5 (MANE Select); coding-DNA position 1465, G replaced by A.
Protein change: p.Ala489Thr; replaces alanine 489 with threonine.
Molecular consequence: missense variant.
Genome position (GRCh38, 1-based): chr3:141,574,049, G>A. VCF-style: chr3-141574049-G-A. GRCh37 (hg19) VCF-style: chr3-141292891-G-A.
Other names: c.1465G>A (NM_006506.2); c.1465G>A, p.Ala489Thr (NM_001303245.3, NM_001303246.3); short protein forms A489T.
Identifiers: ClinVar variation 1442012 (VCV001442012.8), dbSNP rs376792276, ClinGen allele CA2645510.